The following is an entry in ClinVar:

NM_000548.5(TSC2):c.1874C>T (p.Ser625Leu)

Gene: TSC2 (TSC complex subunit 2; plus strand). Cytogenetic location: 16p13.3.
Variant type: single nucleotide variant.
Coding change: c.1874C>T on transcript NM_000548.5 (MANE Select); coding-DNA position 1874, C replaced by T.
Protein change: p.Ser625Leu; replaces serine 625 with leucine.
Molecular consequence: missense variant.
Genome position (GRCh38, 1-based): chr16:2,071,544, C>T. VCF-style: chr16-2071544-C-T. GRCh37 (hg19) VCF-style: chr16-2121545-C-T.
Other names: c.1874C>T (NM_000548.4); c.1874C>T, p.Ser625Leu (NM_001077183.3, NM_001114382.3, NM_001363528.2 and 3 more transcripts); c.1763C>T, p.Ser588Leu (NM_001318827.2); c.1727C>T, p.Ser576Leu (NM_001318829.2); c.1274C>T, p.Ser425Leu (NM_001318831.2); c.1907C>T, p.Ser636Leu (NM_001318832.2); short protein forms S625L, S576L, S425L, S636L, S588L.
Identifiers: ClinVar variation 406127 (VCV000406127.22), dbSNP rs368285556, ClinGen allele CA034344.

ClinVar aggregate classification (germline): Conflicting classifications of pathogenicity. Review status: criteria provided, conflicting classifications (1 of 4 stars). 7 submissions from 7 submitters: Uncertain significance (3); Likely benign (3). 1 of the submissions does not count toward it. Last evaluated 2025-11-23.

Conditions:
TSC2-related disorder. Also called: TSC2-Related Disorders; TSC2-related condition.
Hereditary cancer-predisposing syndrome. Also called: Tumor predisposition; Neoplastic Syndromes, Hereditary; Hereditary Cancer Syndrome; Hereditary neoplastic syndrome. Identifiers: Orphanet 140162, MedGen C0027672, MeSH D009386, MONDO:0015356.
Tuberous sclerosis syndrome (TSC). Also called: Tuberous Sclerosis Complex; Tuberous sclerosis. Identifiers: Orphanet 805, MedGen C0041341, MONDO:0001734.
Tuberous sclerosis 2 (TSC2). Identifiers: Orphanet 805, MedGen C1860707, MONDO:0013199, OMIM 613254.

Allele frequency attached by ClinVar (database versions not stated): gnomAD exomes below 0.00001; ExAC 0.00002; gnomAD 0.00005; TOPMed 0.00005; ESP Exome Variant Server 0.00008; 1000 Genomes Project 30x 0.00016; 1000 Genomes Project 0.00020.
gnomAD v4.1: 13 of 1,613,596 alleles (0.00081%); highest among the groups gnomAD compares: African/African-American, 0.016%; no homozygotes.

Submissions (7):

Labcorp Genetics (formerly Invitae), Labcorp
Classification: Likely benign for Tuberous sclerosis 2. Last evaluated: 2025-11-23. Review status: criteria provided, single submitter. Criteria: Invitae Variant Classification Sherloc (09022015). Collection method: clinical testing. Allele origin: germline.

All of Us Research Program, National Institutes of Health
Classification: Uncertain significance for Tuberous sclerosis syndrome. Last evaluated: 2023-12-18. Review status: criteria provided, single submitter. Criteria: ACMG Guidelines, 2015. Collection method: clinical testing. Allele origin: germline. Inheritance: Autosomal dominant inheritance. Observed: 2 variant alleles, 2 heterozygotes.
Comment: This missense variant replaces serine with leucine at codon 625 of the TSC2 protein. Computational prediction suggests that this variant may have deleterious impact on protein structure and function (internally defined REVEL score threshold >= 0.7, PMID: 27666373). To our knowledge, functional studies have not been reported for this variant. This variant has not been reported in individuals affected with tuberous sclerosis complex in the literature. This variant has been identified in 2/281868 chromosomes in the general population by the Genome Aggregation Database (gnomAD). The available evidence is insufficient to determine the role of this variant in disease conclusively. Therefore, this variant is classified as a Variant of Uncertain Significance.

This study involves interpretation of variants in research participants for the purpose of population health screening. Participant phenotype was not available at the time of variant classification. Additional details can be found in publication PMID: 35346344, PMCID: PMC8962531

Color Diagnostics, LLC DBA Color Health
Classification: Uncertain significance for Tuberous sclerosis syndrome. Last evaluated: 2023-12-01. Review status: criteria provided, single submitter. Criteria: ACMG Guidelines, 2015. Collection method: clinical testing. Allele origin: germline.
Comment: This missense variant replaces serine with leucine at codon 625 of the TSC2 protein. Computational prediction suggests that this variant may have deleterious impact on protein structure and function. To our knowledge, functional studies have not been reported for this variant. This variant has not been reported in individuals affected with tuberous sclerosis complex in the literature. This variant has been identified in 2/281868 chromosomes in the general population by the Genome Aggregation Database (gnomAD). The available evidence is insufficient to determine the role of this variant in disease conclusively. Therefore, this variant is classified as a Variant of Uncertain Significance.

Ambry Genetics
Classification: Likely benign for Hereditary cancer-predisposing syndrome. Last evaluated: 2022-04-25. Review status: criteria provided, single submitter. Criteria: Ambry Variant Classification Scheme 2023. Collection method: clinical testing. Allele origin: germline.

Genome-Nilou Lab
Classification: Likely benign for Tuberous sclerosis 2. Last evaluated: 2021-11-07. Review status: criteria provided, single submitter. Criteria: ACMG Guidelines, 2015. Collection method: clinical testing. Allele origin: germline. Affected: no.

GeneDx
Classification: Uncertain significance. Last evaluated: 2019-04-24. Review status: criteria provided, single submitter. Criteria: GeneDx Variant Classification Process June 2021. Collection method: clinical testing. Allele origin: germline. Affected: yes.
Comment: In silico analysis, which includes protein predictors and evolutionary conservation, supports a deleterious effect; Has not been previously published as pathogenic or benign to our knowledge; Substitution does not occur within known functional domains of the tuberin protein, where many pathogenic missense variants have been identified (Northrup et al., 2018; Au et al., 2007).

PreventionGenetics, part of Exact Sciences
Classification: Uncertain significance for TSC2-related condition. Last evaluated: 2024-08-28. Review status: no assertion criteria provided. Collection method: clinical testing. Allele origin: germline. Not counted in ClinVar's aggregate classification.
Comment: The TSC2 c.1874C>T variant is predicted to result in the amino acid substitution p.Ser625Leu. To our knowledge, this variant has not been reported in the literature. This variant is reported in 0.0080% of alleles in individuals of African descent in gnomAD, which is more common than expected for a primary cause of disease. This variant has conflicting interpretations in ClinVar ranging from likely benign to uncertain significance. Although we suspect this variant may be benign, at this time, the clinical significance is uncertain due to the absence of conclusive functional and genetic evidence.